The following is an entry in ClinVar:

ClinVar aggregate classification (germline): Uncertain significance (1 of 4 stars; one submission).

Allele frequency attached by ClinVar (database versions not stated): gnomAD exomes 0.00001.
gnomAD v4.1: 8 of 1,614,088 alleles (0.0005%); highest among the groups gnomAD compares: Non-Finnish European, 0.00068%; no homozygotes.

Submission:

Labcorp Genetics (formerly Invitae), Labcorp
Classification: Uncertain significance. Last evaluated: 2023-03-08. Review status: criteria provided, single submitter. Criteria: Invitae Variant Classification Sherloc (09022015). Collection method: clinical testing. Allele origin: germline.
Comment: In summary, the available evidence is currently insufficient to determine the role of this variant in disease. Therefore, it has been classified as a Variant of Uncertain Significance. Advanced modeling of protein sequence and biophysical properties (such as structural, functional, and spatial information, amino acid conservation, physicochemical variation, residue mobility, and thermodynamic stability) performed at Invitae indicates that this missense variant is not expected to disrupt KANK1 protein function. This variant has not been reported in the literature in individuals affected with KANK1-related conditions. This variant is not present in population databases (gnomAD no frequency). This sequence change replaces valine, which is neutral and non-polar, with alanine, which is neutral and non-polar, at codon 542 of the KANK1 protein (p.Val542Ala).

NM_015158.5(KANK1):c.1625T>C (p.Val542Ala)

Gene: KANK1 (KN motif and ankyrin repeat domains 1; plus strand). Cytogenetic location: 9p24.3.
Variant type: single nucleotide variant.
Coding change: c.1625T>C on transcript NM_015158.5 (MANE Select); coding-DNA position 1625, T replaced by C.
Protein change: p.Val542Ala; replaces valine 542 with alanine.
Molecular consequence: missense variant. On other transcripts: non-coding transcript variant (1).
Genome position (GRCh38, 1-based): chr9:712,391, T>C. VCF-style: chr9-712391-T-C. GRCh37 (hg19) VCF-style: chr9-712391-T-C.
Other names: c.1625T>C, p.Val542Ala (NM_001256876.3, NM_001256877.3, NM_001354331.2 and 2 more transcripts); c.1151T>C, p.Val384Ala (NM_001354333.2, NM_001354335.2, NM_001354336.2 and 9 more transcripts); short protein forms V384A, V542A.
Identifiers: ClinVar variation 2789514 (VCV002789514.3), dbSNP rs1826394070, ClinGen allele CA372748611.